The following is an entry in ClinVar:

ClinVar aggregate classification (germline): Uncertain significance (1 of 4 stars; one submission).

Submission:

Labcorp Genetics (formerly Invitae), Labcorp
Classification: Uncertain significance. Last evaluated: 2023-04-28. Review status: criteria provided, single submitter. Criteria: Invitae Variant Classification Sherloc (09022015). Collection method: clinical testing. Allele origin: germline.
Comment: This sequence change replaces glycine, which is neutral and non-polar, with arginine, which is basic and polar, at codon 218 of the IRF2BP2 protein (p.Gly218Arg). This variant is not present in population databases (gnomAD no frequency). This variant has not been reported in the literature in individuals affected with IRF2BP2-related conditions. An algorithm developed to predict the effect of missense changes on protein structure and function (PolyPhen-2) suggests that this variant is likely to be disruptive. In summary, the available evidence is currently insufficient to determine the role of this variant in disease. Therefore, it has been classified as a Variant of Uncertain Significance.

NM_182972.3(IRF2BP2):c.652G>A (p.Gly218Arg)

Genes: IRF2BP2 (interferon regulatory factor 2 binding protein 2; minus strand), LOC129932811 (ATAC-STARR-seq lymphoblastoid silent region 1976; plus strand). Cytogenetic location: 1q42.3.
Variant type: single nucleotide variant.
Coding change: c.652G>A on transcript NM_182972.3 (MANE Select); coding-DNA position 652, G replaced by A.
Protein change: p.Gly218Arg; replaces glycine 218 with arginine.
Molecular consequence: missense variant.
Genome position (GRCh38, 1-based): chr1:234,608,843, C>T on the plus strand (G>A on the coding strand, the complement: IRF2BP2 is on the minus strand). VCF-style: chr1-234608843-C-T. GRCh37 (hg19) VCF-style: chr1-234744589-C-T.
Other names: c.652G>A, p.Gly218Arg (NM_001077397.1); short protein forms G218R.
Identifiers: ClinVar variation 2861384 (VCV002861384.3), dbSNP rs2528520881, ClinGen allele CA345309116.